The following is an entry in ClinVar:

NM_001382567.1(STIM1):c.1276C>T (p.Arg426Cys)

Gene: STIM1 (stromal interaction molecule 1; plus strand). Cytogenetic location: 11p15.4.
Variant type: single nucleotide variant.
Coding change: c.1276C>T on transcript NM_001382567.1 (MANE Select); coding-DNA position 1276, C replaced by T.
Protein change: p.Arg426Cys; replaces arginine 426 with cysteine.
Molecular consequence: missense variant. On other transcripts: non-coding transcript variant (2).
Genome position (GRCh38, 1-based): chr11:4,083,300, C>T. VCF-style: chr11-4083300-C-T. GRCh37 (hg19) VCF-style: chr11-4104530-C-T.
Other names: c.1054C>T, p.Arg352Cys (NM_001382573.1, NM_001382575.1, NM_001382576.1 and 4 more transcripts); c.787C>T, p.Arg263Cys (NM_001382580.1, NM_001382581.1); c.1276C>T, p.Arg426Cys (NM_003156.4, NM_001277961.3, NM_001277962.2); c.1297C>T, p.Arg433Cys (NM_001382568.1); c.1141C>T, p.Arg381Cys (NM_001382569.1); c.1048C>T, p.Arg350Cys (NM_001382570.1); c.796C>T, p.Arg266Cys (NM_001382571.1); short protein forms R426C, R263C, R266C, R350C, R352C, R381C, R433C.
Identifiers: ClinVar variation 375470 (VCV000375470.4), dbSNP rs1057519505, ClinGen allele CA16044283.

ClinVar aggregate classification (germline): Uncertain significance. Review status: criteria provided, single submitter (1 of 4 stars). 2 submissions from 2 submitters: Uncertain significance (1). 1 of the submissions does not count toward it. Last evaluated 2023-10-17.

Conditions:
Combined immunodeficiency due to STIM1 deficiency. Also called: STIM1 DEFICIENCY; IMMUNODEFICIENCY 10. Identifiers: Orphanet 169090, Orphanet 317430, MedGen C2748557, MONDO:0013008, OMIM 612783.
Myopathy with tubular aggregates (TAM). Also called: Tubular Aggregate Myopathy. Identifiers: Orphanet 2593, MedGen C0410207, MONDO:0008051.
Stormorken syndrome (STRMK). Also called: THROMBOCYTOPATHY, ASPLENIA, AND MIOSIS. Identifiers: Orphanet 3204, MedGen C1861451, MONDO:0008497, OMIM 185070.

Allele frequency attached by ClinVar (database versions not stated): gnomAD exomes below 0.00001.
gnomAD v4.1: 2 of 1,614,224 alleles (0.00012%); highest among the groups gnomAD compares: Non-Finnish European, 0.00017%; no homozygotes.

Submissions (2):

Labcorp Genetics (formerly Invitae), Labcorp
Classification: Uncertain significance for Myopathy with tubular aggregates; Combined immunodeficiency due to STIM1 deficiency; Stormorken syndrome. Last evaluated: 2023-10-17. Review status: criteria provided, single submitter. Criteria: Invitae Variant Classification Sherloc (09022015). Collection method: clinical testing. Allele origin: germline.
Comment: This sequence change replaces arginine, which is basic and polar, with cysteine, which is neutral and slightly polar, at codon 426 of the STIM1 protein (p.Arg426Cys). This variant is not present in population databases (gnomAD no frequency). This missense change has been observed in individual(s) with clinical features of autosomal recessive STIM1 deficiency (PMID: 24621671). ClinVar contains an entry for this variant (Variation ID: 375470). Advanced modeling of protein sequence and biophysical properties (such as structural, functional, and spatial information, amino acid conservation, physicochemical variation, residue mobility, and thermodynamic stability) has been performed at Invitae for this missense variant, however the output from this modeling did not meet the statistical confidence thresholds required to predict the impact of this variant on STIM1 protein function. Experimental studies have shown that this missense change affects STIM1 function (PMID: 32098964, 35724962). In summary, the available evidence is currently insufficient to determine the role of this variant in disease. Therefore, it has been classified as a Variant of Uncertain Significance.

OMIM
Classification: Pathogenic for IMMUNODEFICIENCY 10. Last evaluated: 2014-03-12. Review status: no assertion criteria provided. Collection method: literature only. Allele origin: germline. Not counted in ClinVar's aggregate classification.

Literature cited by the submitters: PubMed 24621671 (cited by Labcorp Genetics (formerly Invitae), Labcorp and OMIM); PubMed 32098964 (cited by Labcorp Genetics (formerly Invitae), Labcorp); PubMed 35724962 (cited by Labcorp Genetics (formerly Invitae), Labcorp); PubMed 21427704 (cited by OMIM).